The following is an entry in ClinVar:

ClinVar aggregate classification (germline): Uncertain significance (1 of 4 stars; one submission).

Conditions:
Hereditary cancer-predisposing syndrome. Also called: Tumor predisposition; Neoplastic Syndromes, Hereditary; Hereditary neoplastic syndrome; Hereditary Cancer Syndrome. Identifiers: Orphanet 140162, MedGen C0027672, MeSH D009386, MONDO:0015356.

Submission:

Ambry Genetics
Classification: Uncertain significance for Hereditary cancer-predisposing syndrome. Last evaluated: 2025-08-27. Review status: criteria provided, single submitter. Criteria: Ambry Variant Classification Scheme 2023. Collection method: clinical testing. Allele origin: germline.
Comment: The p.V513A variant (also known as c.1538T>C), located in coding exon 16 of the MUTYH gene, results from a T to C substitution at nucleotide position 1538. The valine at codon 513 is replaced by alanine, an amino acid with similar properties. This amino acid position is conserved. In addition, this alteration is predicted to be tolerated by in silico analysis. Based on the available evidence, the clinical significance of this variant remains unclear.

NM_001048174.2(MUTYH):c.1454T>C (p.Val485Ala)

Gene: MUTYH (mutY DNA glycosylase; minus strand). Cytogenetic location: 1p34.1.
Variant type: single nucleotide variant.
Coding change: c.1454T>C on transcript NM_001048174.2 (MANE Select); coding-DNA position 1454, T replaced by C.
Protein change: p.Val485Ala; replaces valine 485 with alanine.
Molecular consequence: missense variant. On other transcripts: non-coding transcript variant (7).
Genome position (GRCh38, 1-based): chr1:45,329,418, A>G on the plus strand (T>C on the coding strand, the complement: MUTYH is on the minus strand). VCF-style: chr1-45329418-A-G. GRCh37 (hg19) VCF-style: chr1-45795090-A-G.
Other names: c.1454T>C, p.Val485Ala (NM_001048171.2, NM_001048173.2, NM_001293195.2 and 6 more transcripts); c.1457T>C, p.Val486Ala (NM_001048172.2, NM_001407086.1, NM_001407071.1 and 1 more transcripts); c.1538T>C, p.Val513Ala (NM_001128425.2); c.1499T>C, p.Val500Ala (NM_001293190.2); c.1487T>C, p.Val496Ala (NM_001293191.2, NM_001407069.1, NM_001407077.1); c.1178T>C, p.Val393Ala (NM_001293192.2, NM_001293196.2, NM_001407091.1); c.1415T>C, p.Val472Ala (NM_001407079.1); c.1412T>C, p.Val471Ala (NM_001407080.1); and 5 more; short protein forms V370A, V457A, V499A, V510A, V393A, V471A, V485A, V492A.
Identifiers: ClinVar variation 4113340 (VCV004113340.1).